The following is an entry in ClinVar:

NM_014974.3(DIP2C):c.2956C>T (p.His986Tyr)

Gene: DIP2C (DIP2 acetate--CoA ligase C (putative); minus strand). Cytogenetic location: 10p15.3.
Variant type: single nucleotide variant.
Coding change: c.2956C>T on transcript NM_014974.3 (MANE Select); coding-DNA position 2956, C replaced by T.
Protein change: p.His986Tyr; replaces histidine 986 with tyrosine.
Molecular consequence: missense variant.
Genome position (GRCh38, 1-based): chr10:356,455, G>A on the plus strand (C>T on the coding strand, the complement: DIP2C is on the minus strand). VCF-style: chr10-356455-G-A. GRCh37 (hg19) VCF-style: chr10-402395-G-A.
Other names: short protein forms H986Y.
Identifiers: ClinVar variation 3685038 (VCV003685038.2).
Genomic context (GRCh38, chr10:356,455, plus strand): 5'-GTAGCCAGGGAAGGCCAGCTCCGCGCCTCACCCGACAGTTGAGCAGCGTGTAGAGGATGT[G>A]GTCCGGGGTGGTCTGTGCTCTCCACTGCAAGACCTCTGAGAGGAACAGGAACTGGAACAG-3'
Protein context (NP_055789.1, residues 976-996): LQWRAQTTPD[His986Tyr]ILYTLLNCRG

ClinVar aggregate classification (germline): Uncertain significance (1 of 4 stars; one submission).

Submission:

Labcorp Genetics (formerly Invitae), Labcorp
Classification: Uncertain significance. Last evaluated: 2024-12-24. Review status: criteria provided, single submitter. Criteria: Invitae Variant Classification Sherloc (09022015). Collection method: clinical testing. Allele origin: germline.
Comment: This sequence change replaces histidine, which is basic and polar, with tyrosine, which is neutral and polar, at codon 986 of the DIP2C protein (p.His986Tyr). This variant is present in population databases (no rsID available, gnomAD 0.007%). This variant has not been reported in the literature in individuals affected with DIP2C-related conditions. An algorithm developed to predict the effect of missense changes on protein structure and function (PolyPhen-2) suggests that this variant is likely to be disruptive. In summary, the available evidence is currently insufficient to determine the role of this variant in disease. Therefore, it has been classified as a Variant of Uncertain Significance.